The following is an entry in ClinVar:

ClinVar aggregate classification (germline): Uncertain significance (1 of 4 stars; one submission).

Conditions:
EGFR-related lung cancer (EGFR). Identifiers: MedGen CN130014.

Submission:

Labcorp Genetics (formerly Invitae), Labcorp
Classification: Uncertain significance for EGFR-related lung cancer. Last evaluated: 2022-09-13. Review status: criteria provided, single submitter. Criteria: Invitae Variant Classification Sherloc (09022015). Collection method: clinical testing. Allele origin: germline.
Comment: In summary, the available evidence is currently insufficient to determine the role of this variant in disease. Therefore, it has been classified as a Variant of Uncertain Significance. Algorithms developed to predict the effect of sequence changes on RNA splicing suggest that this variant may create or strengthen a splice site. Advanced modeling of protein sequence and biophysical properties (such as structural, functional, and spatial information, amino acid conservation, physicochemical variation, residue mobility, and thermodynamic stability) performed at Invitae indicates that this missense variant is not expected to disrupt EGFR protein function. This variant has not been reported in the literature in individuals affected with EGFR-related conditions. This variant is not present in population databases (gnomAD no frequency). This sequence change replaces aspartic acid, which is acidic and polar, with glutamic acid, which is acidic and polar, at codon 942 of the EGFR protein (p.Asp942Glu).

NM_005228.5(EGFR):c.2826T>A (p.Asp942Glu)

Gene: EGFR (epidermal growth factor receptor; plus strand). Cytogenetic location: 7p11.2.
Variant type: single nucleotide variant.
Coding change: c.2826T>A on transcript NM_005228.5 (MANE Select); coding-DNA position 2826, T replaced by A.
Protein change: p.Asp942Glu; replaces aspartic acid 942 with glutamic acid.
Molecular consequence: missense variant.
Genome position (GRCh38, 1-based): chr7:55,198,841, T>A. VCF-style: chr7-55198841-T-A. GRCh37 (hg19) VCF-style: chr7-55266534-T-A.
Other names: c.2691T>A, p.Asp897Glu (NM_001346897.2, NM_001346899.2); c.2826T>A, p.Asp942Glu (NM_001346898.2); c.2667T>A, p.Asp889Glu (NM_001346900.2); c.2025T>A, p.Asp675Glu (NM_001346941.2); short protein forms D675E, D889E, D942E, D897E.
Identifiers: ClinVar variation 1982421 (VCV001982421.4), dbSNP rs1787730139, ClinGen allele CA367581437.